The following is an entry in ClinVar:

NM_016341.4(PLCE1):c.5407del (p.Met1803fs)

Gene: PLCE1 (phospholipase C epsilon 1; plus strand). Cytogenetic location: 10q23.33.
Variant type: Deletion.
Coding change: c.5407del on transcript NM_016341.4 (MANE Select); coding-DNA position 5407, one base deleted (A; older notation c.5407delA).
Protein change: p.Met1803fs; shifts the reading frame from methionine 1803.
Molecular consequence: frameshift variant.
Genome position (GRCh38, 1-based): chr10:94,298,618, A deleted. VCF-style (leftmost placement, unchanged base first): chr10-94298617-CA-C. GRCh37 (hg19) VCF-style: chr10-96058374-CA-C.
Other names: c.4483del, p.Met1495fs (NM_001165979.2); c.5359del, p.Met1787fs (NM_001288989.2); short protein forms M1495fs, M1787fs, M1803fs.
Identifiers: ClinVar variation 3775222 (VCV003775222.2).

ClinVar aggregate classification (germline): Pathogenic (1 of 4 stars; one submission).

Conditions:
Nephrotic syndrome, type 3 (NPHS3). Also called: NEPHROTIC SYNDROME, EARLY-ONSET, TYPE 3. Identifiers: Orphanet 656, MedGen C1853124, MONDO:0012546, OMIM 610725.

Submission:

3billion
Classification: Pathogenic for Nephrotic syndrome, type 3. Last evaluated: 2025-07-10. Review status: criteria provided, single submitter. Criteria: ACMG Guidelines, 2015. Collection method: clinical testing. Allele origin: germline. Affected: yes.
Comment: The variant is not observed in the gnomAD v4.1.0 dataset. Predicted Consequence/Location: Frameshift: predicted to result in a loss or disruption of normal protein function through nonsense-mediated decay (NMD) or protein truncation. Multiple pathogenic variants are reported downstream of the variant. The variant has been reported to be associated with PLCE1-related disorder (ClinVar ID: VCV003775222 /3billion dataset). Therefore, this variant is classified as Pathogenic according to the recommendation of ACMG/AMP guideline.